The following is an entry in ClinVar:

NM_001170629.2(CHD8):c.7497C>T (p.Pro2499=)

Gene: CHD8 (chromodomain helicase DNA binding protein 8; minus strand). Cytogenetic location: 14q11.2.
Variant type: single nucleotide variant.
Coding change: c.7497C>T on transcript NM_001170629.2 (MANE Select); coding-DNA position 7497, C replaced by T.
Protein change: p.Pro2499=; no amino-acid change (proline 2499 retained).
Molecular consequence: synonymous variant.
Genome position (GRCh38, 1-based): chr14:21,385,862, G>A on the plus strand (C>T on the coding strand, the complement: CHD8 is on the minus strand). VCF-style: chr14-21385862-G-A. GRCh37 (hg19) VCF-style: chr14-21854021-G-A.
Other names: c.6660C>T, p.Pro2220= (NM_020920.4).
Identifiers: ClinVar variation 1759173 (VCV001759173.8), dbSNP rs1396179930, ClinGen allele CA484993487.

ClinVar aggregate classification (germline): Likely benign. Review status: criteria provided, multiple submitters, no conflicts (2 of 4 stars). 2 submissions from 2 submitters: Likely benign (2). Last evaluated 2025-11-01.

Conditions:
Inborn genetic diseases. Identifiers: MedGen C0950123, MeSH D030342.

Submissions (2):

CeGaT Center for Human Genetics Tuebingen
Classification: Likely benign. Last evaluated: 2025-11-01. Review status: criteria provided, single submitter. Criteria: CeGaT Center For Human Genetics Tuebingen Variant Classification Criteria Version 2. Collection method: clinical testing. Allele origin: germline. Affected: yes. Observed: 1 variant allele.
Comment: CHD8: PM2:Supporting, BP4, BP7

Ambry Genetics
Classification: Likely benign for Inborn genetic diseases. Last evaluated: 2019-10-23. Review status: criteria provided, single submitter. Criteria: Ambry Variant Classification Scheme 2023. Collection method: clinical testing. Allele origin: germline.